The following is an entry in ClinVar:

NM_001369.3(DNAH5):c.3008_3009insCTCCACGGCTTTTT (p.Lys1003fs)

Genes: DNAH5 (dynein axonemal heavy chain 5; minus strand), DNAH5-AS1 (DNAH5 antisense RNA 1; plus strand). Cytogenetic location: 5p15.2.
Variant type: Insertion.
Coding change: c.3008_3009insCTCCACGGCTTTTT on transcript NM_001369.3 (MANE Select); coding-DNA positions 3008 to 3009, CTCCACGGCTTTTT inserted.
Protein change: p.Lys1003fs; shifts the reading frame from lysine 1003.
Molecular consequence: frameshift variant.
Genome position: GRCh38 VCF-style: chr5-13883069-C-CAAAAAGCCGTGGAG. GRCh37 (hg19) VCF-style: chr5-13883178-C-CAAAAAGCCGTGGAG.
Other names: short protein forms K1003fs.
Identifiers: ClinVar variation 5010901 (VCV005010901.1).

ClinVar aggregate classification (germline): Pathogenic (1 of 4 stars; one submission).

Conditions:
Primary ciliary dyskinesia 3. Identifiers: Orphanet 244, MedGen C1837618, MONDO:0012085, OMIM 608644.

Submission:

Myriad Genetics, Inc.
Classification: Pathogenic for Primary ciliary dyskinesia 3. Last evaluated: 2024-05-14. Review status: criteria provided, single submitter. Criteria: Myriad Autosomal Dominant, Autosomal Recessive and X-Linked Classification Criteria (2023). Collection method: clinical testing. Allele origin: unknown.
Comment: NM_001369.2(DNAH5):c.3008_3009ins14(K1003Nfs*37) is expected to be pathogenic in the context of primary ciliary dyskinesia, DNAH5-related. This variant is predicted to lead to an abnormal or absent protein product due to the creation of a premature termination codon in DNAH5, a gene where loss-of-function variants are known to be pathogenic. Please note: this variant was assessed in the context of healthy population screening.